The following is an entry in ClinVar:

ClinVar aggregate classification (germline): Pathogenic. Review status: criteria provided, multiple submitters, no conflicts (2 of 4 stars). 3 submissions from 3 submitters: Pathogenic (3). Last evaluated 2026-04-14.

Conditions:
Inborn genetic diseases. Identifiers: MedGen C0950123, MeSH D030342.
Tumor predisposition syndrome 2 (TPDS2). Also called: MBD4-Related Tumor Predisposition Syndrome; MBD4-associated neoplasia syndrome (MANS); MBD4-ASSOCIATED NEOPLASIA SYNDROME. Identifiers: Orphanet 661526, MedGen C5774186, MONDO:0859267, OMIM 619975.

gnomAD v4.1: 2 of 1,613,714 alleles (0.00012%); highest among the groups gnomAD compares: African/African-American, 0.0027%; no homozygotes.

Submissions (3):

Myriad Genetics, Inc.
Classification: Pathogenic for Tumor predisposition syndrome 2. Last evaluated: 2026-04-14. Review status: criteria provided, single submitter. Criteria: Myriad Autosomal Dominant, Autosomal Recessive and X-Linked Classification Criteria (2023). Collection method: clinical testing. Allele origin: unknown.
Comment: This variant is considered pathogenic. This variant creates a termination codon and is predicted to result in premature protein truncation.

Ambry Genetics
Classification: Pathogenic for Inborn genetic diseases. Last evaluated: 2026-01-06. Review status: criteria provided, single submitter. Criteria: Ambry Variant Classification Scheme 2023. Collection method: clinical testing. Allele origin: germline.
Comment: The p.Q52* pathogenic mutation (also known as c.154C>T), located in coding exon 2 of the MBD4 gene, results from a C to T substitution at nucleotide position 154. This changes the amino acid from a glutamine to a stop codon within coding exon 2. This variant is considered to be rare based on population cohorts in the Genome Aggregation Database (gnomAD). This alteration is expected to result in loss of function by premature protein truncation or nonsense-mediated mRNA decay. As such, this alteration is interpreted as a disease-causing mutation.

Labcorp Genetics (formerly Invitae), Labcorp
Classification: Pathogenic. Last evaluated: 2025-06-18. Review status: criteria provided, single submitter. Criteria: Invitae Variant Classification Sherloc (09022015). Collection method: clinical testing. Allele origin: germline.
Comment: This sequence change creates a premature translational stop signal (p.Gln52*) in the MBD4 gene. It is expected to result in an absent or disrupted protein product. Loss-of-function variants in MBD4 are known to be pathogenic (PMID: 30049810, 35460607). This variant is not present in population databases (gnomAD no frequency). This variant has not been reported in the literature in individuals affected with MBD4-related conditions. For these reasons, this variant has been classified as Pathogenic.

Literature cited by the submitters: PubMed 30049810 (cited by Labcorp Genetics (formerly Invitae), Labcorp); PubMed 35460607 (cited by Labcorp Genetics (formerly Invitae), Labcorp).

NM_001276270.2(MBD4):c.154C>T (p.Gln52Ter)

Gene: MBD4 (methyl-CpG binding domain 4, DNA glycosylase; minus strand). Cytogenetic location: 3q21.3.
Variant type: single nucleotide variant.
Coding change: c.154C>T on transcript NM_001276270.2 (MANE Select); coding-DNA position 154, C replaced by T.
Protein change: p.Gln52Ter; replaces glutamine 52 with a stop codon.
Molecular consequence: nonsense.
Genome position (GRCh38, 1-based): chr3:129,437,901, G>A on the plus strand (C>T on the coding strand, the complement: MBD4 is on the minus strand). VCF-style: chr3-129437901-G-A. GRCh37 (hg19) VCF-style: chr3-129156744-G-A.
Other names: c.154C>T, p.Gln52Ter (NM_001276271.2, NM_001276272.2, NM_001276273.2 and 1 more transcripts); short protein forms Q52*.
Identifiers: ClinVar variation 4809709 (VCV004809709.3).